The following is an entry in ClinVar:

NM_006946.4(SPTBN2):c.5944G>A (p.Glu1982Lys)

Gene: SPTBN2 (spectrin beta, non-erythrocytic 2; minus strand). Cytogenetic location: 11q13.2.
Variant type: single nucleotide variant.
Coding change: c.5944G>A on transcript NM_006946.4 (MANE Select); coding-DNA position 5944, G replaced by A.
Protein change: p.Glu1982Lys; replaces glutamic acid 1982 with lysine.
Molecular consequence: missense variant.
Genome position (GRCh38, 1-based): chr11:66,689,810, C>T on the plus strand (G>A on the coding strand, the complement: SPTBN2 is on the minus strand). VCF-style: chr11-66689810-C-T. GRCh37 (hg19) VCF-style: chr11-66457281-C-T.
Other names: c.5944G>A (NM_006946.2); short protein forms E1982K.
Identifiers: ClinVar variation 1397268 (VCV001397268.37), dbSNP rs368916464, ClinGen allele CA6128107.

ClinVar aggregate classification (germline): Uncertain significance. Review status: criteria provided, multiple submitters, no conflicts (2 of 4 stars). 3 submissions from 3 submitters: Uncertain significance (3). Last evaluated 2024-12-04.

Conditions:
Inborn genetic diseases. Identifiers: MedGen C0950123, MeSH D030342.

Allele frequency attached by ClinVar (database versions not stated): gnomAD exomes 0.00001 and 0.00002; ExAC 0.00002; TOPMed 0.00002; ESP Exome Variant Server 0.00008.
gnomAD v4.1: 18 of 1,613,604 alleles (0.0011%); highest among the groups gnomAD compares: Middle Eastern, 0.017%; no homozygotes.

Submissions (3):

Ambry Genetics
Classification: Uncertain significance for Inborn genetic diseases. Last evaluated: 2024-12-04. Review status: criteria provided, single submitter. Criteria: Ambry Variant Classification Scheme 2023. Collection method: clinical testing. Allele origin: germline.
Comment: The c.5944G>A (p.E1982K) alteration is located in exon 28 (coding exon 27) of the SPTBN2 gene. This alteration results from a G to A substitution at nucleotide position 5944, causing the glutamic acid (E) at amino acid position 1982 to be replaced by a lysine (K). The p.E1982K alteration is predicted to be tolerated by in silico analysis. Based on insufficient or conflicting evidence, the clinical significance of this alteration remains unclear.

Labcorp Genetics (formerly Invitae), Labcorp
Classification: Uncertain significance. Last evaluated: 2023-09-23. Review status: criteria provided, single submitter. Criteria: Invitae Variant Classification Sherloc (09022015). Collection method: clinical testing. Allele origin: germline.
Comment: This sequence change replaces glutamic acid, which is acidic and polar, with lysine, which is basic and polar, at codon 1982 of the SPTBN2 protein (p.Glu1982Lys). This variant is present in population databases (rs368916464, gnomAD 0.007%). This variant has not been reported in the literature in individuals affected with SPTBN2-related conditions. ClinVar contains an entry for this variant (Variation ID: 1397268). Advanced modeling of protein sequence and biophysical properties (such as structural, functional, and spatial information, amino acid conservation, physicochemical variation, residue mobility, and thermodynamic stability) performed at Invitae indicates that this missense variant is not expected to disrupt SPTBN2 protein function. In summary, the available evidence is currently insufficient to determine the role of this variant in disease. Therefore, it has been classified as a Variant of Uncertain Significance.

CeGaT Center for Human Genetics Tuebingen
Classification: Uncertain significance. Last evaluated: 2023-01-01. Review status: criteria provided, single submitter. Criteria: CeGaT Center For Human Genetics Tuebingen Variant Classification Criteria Version 2. Collection method: clinical testing. Allele origin: germline. Affected: yes. Observed: 1 variant allele.
Comment: SPTBN2: PM2